The following is an entry in ClinVar:

ClinVar aggregate classification (germline): Uncertain significance (1 of 4 stars; one submission).

Conditions:
Hereditary cancer-predisposing syndrome. Also called: Hereditary Cancer Syndrome; Hereditary neoplastic syndrome; Neoplastic Syndromes, Hereditary; Tumor predisposition. Identifiers: Orphanet 140162, MedGen C0027672, MeSH D009386, MONDO:0015356.

Submission:

Ambry Genetics
Classification: Uncertain significance for Hereditary cancer-predisposing syndrome. Last evaluated: 2022-01-15. Review status: criteria provided, single submitter. Criteria: Ambry Variant Classification Scheme 2023. Collection method: clinical testing. Allele origin: germline.
Comment: The p.P198A variant (also known as c.592C>G), located in coding exon 3 of the RET gene, results from a C to G substitution at nucleotide position 592. The proline at codon 198 is replaced by alanine, an amino acid with highly similar properties. This amino acid position is conserved. In addition, this alteration is predicted to be tolerated by in silico analysis. Since supporting evidence is limited at this time, the clinical significance of this alteration remains unclear.

NM_020975.6(RET):c.592C>G (p.Pro198Ala)

Gene: RET (ret proto-oncogene; plus strand). Cytogenetic location: 10q11.21.
Variant type: single nucleotide variant.
Coding change: c.592C>G on transcript NM_020975.6 (MANE Select); coding-DNA position 592, C replaced by G.
Protein change: p.Pro198Ala; replaces proline 198 with alanine.
Molecular consequence: missense variant.
Genome position (GRCh38, 1-based): chr10:43,102,596, C>G. VCF-style: chr10-43102596-C-G. GRCh37 (hg19) VCF-style: chr10-43598044-C-G.
Other names: c.592C>G, p.Pro198Ala (NM_000323.2, NM_001406743.1, NM_001406744.1 and 16 more transcripts); c.463C>G, p.Pro155Ala (NM_001406761.1, NM_001406762.1, NM_001406764.1 and 4 more transcripts); short protein forms P198A, P155A.
Identifiers: ClinVar variation 1750544 (VCV001750544.2), dbSNP rs76736111, ClinGen allele CA376543602.
Genomic context (GRCh38, chr10:43,102,596, plus strand): 5'-GAGAACCGACCCCCAGGCACCTTCCACCAGTTCCGCCTGCTGCCTGTGCAGTTCTTGTGC[C>G]CCAACATCAGCGTGGCCTACAGGCTCCTGGAGGGTGAGTGCCGACCTTGTGGGGCCGCCC-3'
Protein context (NP_066124.1, residues 188-208): FRLLPVQFLC[Pro198Ala]NISVAYRLLE